The following is an entry in ClinVar:

NM_003079.5(SMARCE1):c.1219G>T (p.Asp407Tyr)

Gene: SMARCE1 (SWI/SNF related BAF chromatin remodeling complex subunit E1; minus strand). Cytogenetic location: 17q21.2.
Variant type: single nucleotide variant.
Coding change: c.1219G>T on transcript NM_003079.5 (MANE Select); coding-DNA position 1219, G replaced by T.
Protein change: p.Asp407Tyr; replaces aspartic acid 407 with tyrosine.
Molecular consequence: missense variant.
Genome position (GRCh38, 1-based): chr17:40,628,802, C>A on the plus strand (G>T on the coding strand, the complement: SMARCE1 is on the minus strand). VCF-style: chr17-40628802-C-A. GRCh37 (hg19) VCF-style: chr17-38785054-C-A.
Other names: short protein forms D407Y.
Identifiers: ClinVar variation 2888216 (VCV002888216.4), dbSNP rs139178605, ClinGen allele CA8545044.

ClinVar aggregate classification (germline): Uncertain significance. Review status: criteria provided, multiple submitters, no conflicts (2 of 4 stars). 2 submissions from 2 submitters: Uncertain significance (2). Last evaluated 2026-01-16.

Conditions:
Hereditary cancer-predisposing syndrome. Also called: Tumor predisposition; Neoplastic Syndromes, Hereditary; Hereditary Cancer Syndrome; Hereditary neoplastic syndrome. Identifiers: Orphanet 140162, MedGen C0027672, MeSH D009386, MONDO:0015356.
Familial meningioma. Also called: Meningioma, familial, susceptibility to. Identifiers: Orphanet 263662, MedGen C3551915, MONDO:0011789, OMIM 607174.

Allele frequency attached by ClinVar (database versions not stated): gnomAD 0.00001; TOPMed 0.00001; ESP Exome Variant Server 0.00008.
gnomAD v4.1: 2 of 1,612,596 alleles (0.00012%); highest among the groups gnomAD compares: African/African-American, 0.0027%; no homozygotes.

Submissions (2):

Ambry Genetics
Classification: Uncertain significance for Hereditary cancer-predisposing syndrome. Last evaluated: 2026-01-16. Review status: criteria provided, single submitter. Criteria: Ambry Variant Classification Scheme 2023. Collection method: clinical testing. Allele origin: germline.
Comment: The p.D407Y variant (also known as c.1219G>T), located in coding exon 10 of the SMARCE1 gene, results from a G to T substitution at nucleotide position 1219. The aspartic acid at codon 407 is replaced by tyrosine, an amino acid with highly dissimilar properties. This variant was detected as heterozygous in individual(s) with no reported features of Coffin-Siris syndrome (Ambry internal data). This amino acid position is well conserved in available vertebrate species. In addition, this alteration is predicted to be tolerated by in silico analysis. Based on the supporting evidence, the association of this alteration with an increased risk of meningiomas is unknown; however, the association of this alteration with Coffin-Siris syndrome is unlikely.

Labcorp Genetics (formerly Invitae), Labcorp
Classification: Uncertain significance for Familial meningioma. Last evaluated: 2024-05-14. Review status: criteria provided, single submitter. Criteria: Invitae Variant Classification Sherloc (09022015). Collection method: clinical testing. Allele origin: germline.
Comment: This sequence change replaces aspartic acid, which is acidic and polar, with tyrosine, which is neutral and polar, at codon 407 of the SMARCE1 protein (p.Asp407Tyr). This variant is present in population databases (rs139178605, gnomAD 0.007%). This variant has not been reported in the literature in individuals affected with SMARCE1-related conditions. Experimental studies and prediction algorithms are not available or were not evaluated, and the functional significance of this variant is currently unknown. In summary, the available evidence is currently insufficient to determine the role of this variant in disease. Therefore, it has been classified as a Variant of Uncertain Significance.